The following is an entry in ClinVar:

NM_001851.6(COL9A1):c.1427_1449+17dup

Gene: COL9A1 (collagen type IX alpha 1 chain; minus strand). Cytogenetic location: 6q13.
Variant type: Duplication.
Coding change: c.1427_1449+17dup on transcript NM_001851.6 (MANE Select); coding-DNA position 1427 through 17 bases into the intron after coding-DNA position 1449, 40 bases duplicated.
Molecular consequence: splice donor variant.
Genome position (GRCh38, 1-based): chr6:70,260,640-70,260,679, 40 bases duplicated; duplicating any 40 consecutive bases within chr6:70,260,640-70,260,681 gives the same sequence; the c. name uses the placement nearest the transcript's 3' end. GRCh37 (hg19): chr6:70,970,345-70,970,384.
Other names: c.698_720+17dup (NM_001377290.1, NM_078485.4, NM_001377289.1).
Identifiers: ClinVar variation 2008720 (VCV002008720.4), dbSNP rs2483345524, ClinGen allele CA1090283106.

ClinVar aggregate classification (germline): Uncertain significance (1 of 4 stars; one submission).

Submission:

Labcorp Genetics (formerly Invitae), Labcorp
Classification: Uncertain significance. Last evaluated: 2022-11-01. Review status: criteria provided, single submitter. Criteria: Invitae Variant Classification Sherloc (09022015). Collection method: clinical testing. Allele origin: germline.
Comment: In summary, the available evidence is currently insufficient to determine the role of this variant in disease. Therefore, it has been classified as a Variant of Uncertain Significance. Algorithms developed to predict the effect of sequence changes on RNA splicing suggest that this variant may disrupt the consensus splice site. This variant has not been reported in the literature in individuals affected with COL9A1-related conditions. This variant is not present in population databases (gnomAD no frequency). This sequence change falls in intron 20 of the COL9A1 gene. It does not directly change the encoded amino acid sequence of the COL9A1 protein.